The following is an entry in ClinVar:

NM_005591.4(MRE11):c.1250_1251del (p.Leu417fs)

Gene: MRE11 (MRE11 double strand break repair nuclease; minus strand). Cytogenetic location: 11q21.
Variant type: Deletion.
Coding change: c.1250_1251del on transcript NM_005591.4 (MANE Select); coding-DNA positions 1250 to 1251, 2 bases deleted (TT; older notation c.1250_1251delTT).
Protein change: p.Leu417fs; shifts the reading frame from leucine 417.
Molecular consequence: frameshift variant.
Genome position (GRCh38, 1-based): chr11:94,461,011-94,461,012, AA deleted on the plus strand (TT on the coding strand, the reverse complement: MRE11 is on the minus strand). VCF-style (leftmost placement, unchanged base first): chr11-94461010-TAA-T. GRCh37 (hg19) VCF-style: chr11-94194176-TAA-T.
Other names: c.1250_1251del, p.Leu417fs (NM_001330347.2, NM_005590.4); short protein forms L417fs.
Identifiers: ClinVar variation 2762900 (VCV002762900.3), dbSNP rs2496400489, ClinGen allele CA2695215210.
Genomic context (GRCh38, chr11:94,461,010, plus strand): 5'-GAAAGTACTGTTTTACAAGATCTTCTACCCTTAAAGTTGTTCCTTCTGAAGGCTTTGTGA[TAA>T]GTTTCCCAAAGTTGATCTCTTCTCCTAGAAAAAAAGAAGTATATCAAAAAATAGCTTCTA-3'

ClinVar aggregate classification (germline): Pathogenic (1 of 4 stars; one submission).

Conditions:
Ataxia-telangiectasia-like disorder (ATLD). Identifiers: MedGen C1858391, MONDO:0011457.

Submission:

Labcorp Genetics (formerly Invitae), Labcorp
Classification: Pathogenic for Ataxia-telangiectasia-like disorder. Last evaluated: 2023-09-23. Review status: criteria provided, single submitter. Criteria: Invitae Variant Classification Sherloc (09022015). Collection method: clinical testing. Allele origin: germline.
Comment: This sequence change creates a premature translational stop signal (p.Leu417Hisfs*39) in the MRE11 gene. It is expected to result in an absent or disrupted protein product. Loss-of-function variants in MRE11 are known to be pathogenic (PMID: 23080121, 23912341). This variant is not present in population databases (gnomAD no frequency). This variant has not been reported in the literature in individuals affected with MRE11-related conditions. For these reasons, this variant has been classified as Pathogenic.

Literature cited by the submitters: PubMed 23080121; PubMed 23912341.